The following is an entry in ClinVar:

ClinVar aggregate classification (germline): Conflicting classifications of pathogenicity. Review status: criteria provided, conflicting classifications (1 of 4 stars). 2 submissions from 2 submitters: Uncertain significance (1); Benign (1). Last evaluated 2025-12-13.

Conditions:
Kleefstra syndrome 1 (KLEFS1). Identifiers: Orphanet 261494, MedGen C0795833, MONDO:0027407, OMIM 610253.

Allele frequency attached by ClinVar (database versions not stated): gnomAD exomes below 0.00001.
gnomAD v4.1: 3 of 1,611,854 alleles (0.00019%); highest among the groups gnomAD compares: Admixed American, 0.0033%; no homozygotes.

Submissions (2):

Labcorp Genetics (formerly Invitae), Labcorp
Classification: Benign for Kleefstra syndrome 1. Last evaluated: 2025-12-13. Review status: criteria provided, single submitter. Criteria: Invitae Variant Classification Sherloc (09022015). Collection method: clinical testing. Allele origin: germline.

Dasa
Classification: Uncertain significance. Last evaluated: 2025-06-21. Review status: criteria provided, single submitter. Criteria: DASA Assertion Criteria. Collection method: clinical testing. Allele origin: germline.
Comment: NM_024757.5(EHMT1):c.176A>G (p.Glu59Gly) is a missense variant that results in the substitution of glutamic acid with glycine. This variant is rare in population databases. Computational prediction algorithms are consistent with a benign effect. The currently available literature and clinical evidence are not sufficient to establish a definitive association between this variant and the reported condition. Therefore, this variant is classified as a variant of uncertain significance.

NM_024757.5(EHMT1):c.176A>G (p.Glu59Gly)

Gene: EHMT1 (euchromatic histone lysine methyltransferase 1; plus strand). Cytogenetic location: 9q34.3.
Variant type: single nucleotide variant.
Coding change: c.176A>G on transcript NM_024757.5 (MANE Select); coding-DNA position 176, A replaced by G.
Protein change: p.Glu59Gly; replaces glutamic acid 59 with glycine.
Molecular consequence: missense variant.
Genome position (GRCh38, 1-based): chr9:137,716,716, A>G. VCF-style: chr9-137716716-A-G. GRCh37 (hg19) VCF-style: chr9-140611168-A-G.
Other names: c.176A>G, p.Glu59Gly (NM_001145527.2, NM_001354263.2, NM_001354611.2); c.83A>G, p.Glu28Gly (NM_001354259.2, NM_001354612.2); short protein forms E59G, E28G.
Identifiers: ClinVar variation 576165 (VCV000576165.13), dbSNP rs1422691901, ClinGen allele CA375762839.